The following is an entry in ClinVar:

ClinVar aggregate classification (germline): Pathogenic/Likely pathogenic. Review status: criteria provided, multiple submitters, no conflicts (2 of 4 stars). 2 submissions from 2 submitters: Pathogenic (1); Likely pathogenic (1). Last evaluated 2026-06-17.

Conditions:
Leber congenital amaurosis (LCA). Also called: Leber's amaurosis. Identifiers: Orphanet 65, MedGen C0339527, MeSH D057130, MONDO:0018998.
CEP290-related ciliopathy. Also called: CEP290 ciliopathy. Identifiers: MedGen CN305601, MONDO:0100451.

Submissions (2):

Myriad Genetics, Inc.
Classification: Pathogenic for CEP290-related ciliopathy. Last evaluated: 2026-06-17. Review status: criteria provided, single submitter. Criteria: Myriad Autosomal Dominant, Autosomal Recessive and X-Linked Classification Criteria (2023). Collection method: clinical testing. Allele origin: unknown.
Comment: NM_025114.3(CEP290):c.2598delT(N866Kfs*10) is expected to be pathogenic in the context of CEP290-related disorders. This variant is predicted to lead to an abnormal or absent protein product due to the creation of a premature termination codon in CEP290, a gene where loss-of-function variants are known to be pathogenic. Please note: this variant was assessed in the context of healthy population screening.

Natera, Inc.
Classification: Likely pathogenic for Leber congenital amaurosis. Last evaluated: 2024-11-13. Review status: criteria provided, single submitter. Criteria: Natera Variant Classification Schema (03/2026). Collection method: clinical testing. Allele origin: germline.
Comment: The c.2598del variant in CEP290 is a frameshift variant predicted to shift the reading frame beginning at codon 866 and leads to a stop codon 10 codons downstream. This variant is expected to result in nonsense mediated decay, truncation, or a dysfunctional protein product. This variant is rare in the general population with a frequency below the threshold expected for the associated phenotype(s). Given the available evidence, this variant is classified as Likely Pathogenic.

NM_025114.4(CEP290):c.2598del (p.Asn866fs)

Gene: CEP290 (centrosomal protein 290; minus strand). Cytogenetic location: 12q21.32.
Variant type: Deletion.
Coding change: c.2598del on transcript NM_025114.4 (MANE Select); coding-DNA position 2598, one base deleted (T; older notation c.2598delT).
Protein change: p.Asn866fs; shifts the reading frame from asparagine 866.
Molecular consequence: frameshift variant.
Genome position (GRCh38, 1-based): chr12:88,106,894, A deleted on the plus strand (T on the coding strand, the reverse complement: CEP290 is on the minus strand). VCF-style (leftmost placement, unchanged base first): chr12-88106893-CA-C. GRCh37 (hg19) VCF-style: chr12-88500670-CA-C.
Other names: short protein forms N866fs.
Identifiers: ClinVar variation 4816201 (VCV004816201.2).